The following is an entry in ClinVar:

NM_022124.6(CDH23):c.387G>A (p.Ala129=)

Genes: CDH23 (cadherin related 23; plus strand), CDH23-AS1 (CDH23 antisense RNA 1; minus strand). Cytogenetic location: 10q22.1.
Variant type: single nucleotide variant.
Coding change: c.387G>A on transcript NM_022124.6 (MANE Select); coding-DNA position 387, G replaced by A.
Protein change: p.Ala129=; no amino-acid change (alanine 129 retained).
Molecular consequence: synonymous variant.
Genome position (GRCh38, 1-based): chr10:71,511,170, G>A. VCF-style: chr10-71511170-G-A. GRCh37 (hg19) VCF-style: chr10-73270927-G-A.
Other names: c.387G>A, p.Ala129= (NM_001171930.2, NM_001171931.2, NM_001171932.2 and 1 more transcripts).
Identifiers: ClinVar variation 740994 (VCV000740994.34), dbSNP rs201919232, ClinGen allele CA5543404.

ClinVar aggregate classification (germline): Likely benign. Review status: criteria provided, multiple submitters, no conflicts (2 of 4 stars). 8 submissions from 8 submitters: Likely benign (4). 4 of the submissions do not count toward it. Last evaluated 2026-04-01.

Conditions:
CDH23-related disorder. Also called: CDH23-related disorders; CDH23-related condition.
Usher syndrome type 1 (USH1). Also called: RETINITIS PIGMENTOSA AND CONGENITAL DEAFNESS. Identifiers: Orphanet 231169, Orphanet 886, MedGen C1568247, MONDO:0010168, OMIM 276900.

Allele frequency attached by ClinVar (database versions not stated): gnomAD exomes 0.00013 and 0.00024; ExAC 0.00016; ESP Exome Variant Server 0.00040; 1000 Genomes Project 30x 0.00047; 1000 Genomes Project 0.00060; TOPMed 0.00060; gnomAD 0.00089.
gnomAD v4.1: 339 of 1,613,620 alleles (0.021%); highest among the groups gnomAD compares: Admixed American, 0.18%; 1 homozygote.

Submissions (8):

CeGaT Center for Human Genetics Tuebingen
Classification: Likely benign. Last evaluated: 2026-04-01. Review status: criteria provided, single submitter. Criteria: CeGaT Center For Human Genetics Tuebingen Variant Classification Criteria Version 2. Collection method: clinical testing. Allele origin: germline. Affected: yes. Observed: 3 variant alleles.
Comment: CDH23: BP4, BP7

Labcorp Genetics (formerly Invitae), Labcorp
Classification: Likely benign. Last evaluated: 2026-01-26. Review status: criteria provided, single submitter. Criteria: Invitae Variant Classification Sherloc (09022015). Collection method: clinical testing. Allele origin: germline.

Blueprint Genetics
Classification: Likely benign. Last evaluated: 2024-11-27. Review status: criteria provided, single submitter. Criteria: ACMG Guidelines, 2015. Collection method: clinical testing. Allele origin: germline.

GeneDx
Classification: Likely benign. Last evaluated: 2020-08-05. Review status: criteria provided, single submitter. Criteria: GeneDx Variant Classification Process June 2021. Collection method: clinical testing. Allele origin: germline. Affected: yes.

PreventionGenetics, part of Exact Sciences
Classification: Likely benign for CDH23-related condition. Last evaluated: 2024-07-29. Review status: no assertion criteria provided. Collection method: clinical testing. Allele origin: germline. Not counted in ClinVar's aggregate classification.
Comment: This variant is classified as likely benign based on ACMG/AMP sequence variant interpretation guidelines (Richards et al. 2015 PMID: 25741868, with internal and published modifications).

Natera, Inc.
Classification: Uncertain significance for Usher syndrome type 1. Last evaluated: 2020-01-24. Review status: no assertion criteria provided. Collection method: clinical testing. Allele origin: germline. Not counted in ClinVar's aggregate classification.

Clinical Genetics DNA and cytogenetics Diagnostics Lab, Erasmus MC, Erasmus Medical Center
Classification: Likely benign. Review status: no assertion criteria provided. Collection method: clinical testing. Allele origin: germline. Affected: yes. Study: VKGL Data-share Consensus. Not counted in ClinVar's aggregate classification.

Clinical Genetics, Academic Medical Center
Classification: Likely benign. Review status: no assertion criteria provided. Collection method: clinical testing. Allele origin: germline. Affected: yes. Study: VKGL Data-share Consensus. Not counted in ClinVar's aggregate classification.